The following is an entry in ClinVar:

NM_001023.4(RPS20):c.270C>T (p.Asp90=)

Gene: RPS20 (ribosomal protein S20; minus strand). Cytogenetic location: 8q12.1.
Variant type: single nucleotide variant.
Coding change: c.270C>T on transcript NM_001023.4 (MANE Select); coding-DNA position 270, C replaced by T.
Protein change: p.Asp90=; no amino-acid change (aspartic acid 90 retained).
Molecular consequence: synonymous variant.
Genome position (GRCh38, 1-based): chr8:56,073,180, G>A on the plus strand (C>T on the coding strand, the complement: RPS20 is on the minus strand). VCF-style: chr8-56073180-G-A. GRCh37 (hg19) VCF-style: chr8-56985739-G-A.
Other names: c.270C>T, p.Asp90= (NM_001146227.3).
Identifiers: ClinVar variation 1644303 (VCV001644303.13), dbSNP rs199637313, ClinGen allele CA4754323.

ClinVar aggregate classification (germline): Benign/Likely benign. Review status: criteria provided, multiple submitters, no conflicts (2 of 4 stars). 4 submissions from 4 submitters: Benign (1); Likely benign (3). Last evaluated 2026-08-04.

Conditions:
Familial colorectal cancer type X. Identifiers: Orphanet 440437, MedGen C3896578, MONDO:0018604.

Allele frequency attached by ClinVar (database versions not stated): 1000 Genomes Project 30x 0.00016; gnomAD exomes 0.00002 and below 0.00001; TOPMed below 0.00001; ExAC 0.00001; gnomAD 0.00003; 1000 Genomes Project 0.00020.
gnomAD v4.1: 36 of 1,600,368 alleles (0.0022%); highest among the groups gnomAD compares: East Asian, 0.069%; no homozygotes.

Submissions (4):

Myriad Genetics, Inc.
Classification: Benign for Familial colorectal cancer type X. Last evaluated: 2026-08-04. Review status: criteria provided, single submitter. Criteria: Myriad Autosomal Dominant, Autosomal Recessive and X-Linked Classification Criteria (2023). Collection method: clinical testing. Allele origin: unknown.
Comment: This variant is considered benign. This variant is a silent/synonymous amino acid change and it is not expected to impact splicing.

Labcorp Genetics (formerly Invitae), Labcorp
Classification: Likely benign. Last evaluated: 2025-08-29. Review status: criteria provided, single submitter. Criteria: Invitae Variant Classification Sherloc (09022015). Collection method: clinical testing. Allele origin: germline.

Center for Genomic Medicine, Rigshospitalet, Copenhagen University Hospital
Classification: Likely benign. Last evaluated: 2025-03-04. Review status: criteria provided, single submitter. Criteria: ACMG Guidelines, 2015. Collection method: clinical testing. Allele origin: germline.

Ambry Genetics
Classification: Likely benign. Last evaluated: 2022-03-16. Review status: criteria provided, single submitter. Criteria: Ambry Variant Classification Scheme 2023. Collection method: clinical testing. Allele origin: germline.